The following is an entry in ClinVar:

ClinVar aggregate classification (germline): Pathogenic. Review status: reviewed by expert panel (3 of 4 stars). 2 submissions from 2 submitters: Pathogenic (1). 1 of the submissions does not count toward it. Last evaluated 2020-06-01.

Conditions:
Phenylketonuria (PKU). Also called: OLIGOPHRENIA PHENYLPYRUVICA; Phenylketonurias; FOLLING DISEASE; Phenylketonuria (PKU). Identifiers: Orphanet 716, MedGen C0031485, MONDO:0009861, OMIM 261600. Disease mechanism: loss of function.

Allele frequency attached by ClinVar (database versions not stated): gnomAD exomes below 0.00001.
gnomAD v4.1: 2 of 1,613,798 alleles (0.00012%); highest among the groups gnomAD compares: Non-Finnish European, 0.00017%; no homozygotes.

Submissions (2):

ClinGen PAH Variant Curation Expert Panel
Classification: Pathogenic for Phenylketonuria. Last evaluated: 2020-06-01. Review status: reviewed by expert panel. Criteria: ClinGen PAH ACMG Specifications v1. Collection method: curation. Allele origin: germline. Inheritance: Autosomal recessive inheritance.
Comment: The c.1316-1G>A variant in PAH is a null variant (canonical +/- 1 or 2 splice sites) in a gene where LOF is a known mechanism of disease. It is predicted to result in skipping of coding exon 13, which is a key domain of the enzyme (PVS1_Strong). It is absent from ethnically diverse control databases, including gnomAD/ExAC, 1000 Genomes, and ESP (PM2). It has been previously reported in seven Ugyur probands (PMID: 31355225): three homozygotes with mild PKU; one compound heterozygote with classic PKU in trans with the p.R413P variant (Pathogenic per ClinGen PAH working group); one compound heterozygote with classic PKU in trans with the p.R243Q variant (Pathogenic per ClinGen PAH working group); one compound heterozygote with mild PKU in trans with the p.A300S variant (Pathogenic per ClinGen PAH working group); and one compound heterozygote with mild PKU in trans with the p.E182K (Likely Pathogenic per ClinGen PAH working group) variant (PM3_VeryStrong). (In all cases, phase was confirmed by parental testing.) In all cases, BH4 deficiency was formally excluded by urinary pterin analysis (PP4_Moderate). It is reported pathogenic in Clinvar (ID 625286) by one lab, for PKU; no further information is given.

Center for Molecular Medicine, Children’s Hospital of Fudan University
Classification: Pathogenic for Phenylketonuria. Last evaluated: 2019-03-08. Review status: no assertion criteria provided. Collection method: clinical testing. Allele origin: de novo. Affected: yes. Not counted in ClinVar's aggregate classification.

NM_000277.3(PAH):c.1316-1G>A

Gene: PAH (phenylalanine hydroxylase; minus strand). Cytogenetic location: 12q23.2.
Variant type: single nucleotide variant.
Coding change: c.1316-1G>A on transcript NM_000277.3 (MANE Select); the canonical splice acceptor site of the intron before coding-DNA position 1316, G replaced by A.
Molecular consequence: splice acceptor variant.
Genome position (GRCh38, 1-based): chr12:102,839,219, C>T on the plus strand (G>A on the coding strand, the complement: PAH is on the minus strand). VCF-style: chr12-102839219-C-T. GRCh37 (hg19) VCF-style: chr12-103232997-C-T.
Other names: c.1316-1G>A (NM_001354304.2).
Identifiers: ClinVar variation 635216 (VCV000635216.6), dbSNP rs1592944816, ClinGen allele CA386492907.
Genomic context (GRCh38, chr12:102,839,219, plus strand): 5'-CATTCTGTCCATGGCTTTACTTTATTTTCTGGAGGGCACTGCAAAGGATTCCAATTTCAC[C>T]TACAAAGAAAAACACCATCAAAATGGGCCACTTGTATAATAAGCAAAAACTCTTCAAGTG-3'